The following is an entry in ClinVar:

ClinVar aggregate classification (germline): Uncertain significance (1 of 4 stars; one submission).

Conditions:
Hereditary cancer-predisposing syndrome. Also called: Tumor predisposition; Hereditary neoplastic syndrome; Hereditary Cancer Syndrome; Neoplastic Syndromes, Hereditary. Identifiers: Orphanet 140162, MedGen C0027672, MeSH D009386, MONDO:0015356.

Submission:

Ambry Genetics
Classification: Uncertain significance for Hereditary cancer-predisposing syndrome. Last evaluated: 2025-03-17. Review status: criteria provided, single submitter. Criteria: Ambry Variant Classification Scheme 2023. Collection method: clinical testing. Allele origin: germline.
Comment: The c.126A>T variant (also known as p.G42G), located in coding exon 3 of the SMARCE1 gene, results from an A to T substitution at nucleotide position 126. This nucleotide substitution does not change the amino acid at codon 42. This nucleotide position is highly conserved in available vertebrate species. In silico splice site analysis for this alteration is inconclusive. Based on the available evidence, the clinical significance of this variant remains unclear.

NM_003079.5(SMARCE1):c.126A>T (p.Gly42=)

Gene: SMARCE1 (SWI/SNF related BAF chromatin remodeling complex subunit E1; minus strand). Cytogenetic location: 17q21.2.
Variant type: single nucleotide variant.
Coding change: c.126A>T on transcript NM_003079.5 (MANE Select); coding-DNA position 126, A replaced by T.
Protein change: p.Gly42=; no amino-acid change (glycine 42 retained).
Molecular consequence: synonymous variant.
Genome position (GRCh38, 1-based): chr17:40,642,485, T>A on the plus strand (A>T on the coding strand, the complement: SMARCE1 is on the minus strand). VCF-style: chr17-40642485-T-A. GRCh37 (hg19) VCF-style: chr17-38798737-T-A.
Identifiers: ClinVar variation 3958584 (VCV003958584.1).
Genomic context (GRCh38, chr17:40,642,485, plus strand): 5'-GCCGGATGCTGTAATAGTTGATTCTCCTACCGTGACCCGGCTGTTGGTGCCCGGGTTCCC[T>A]CCCAGCCTGTAGTTGTTGTAGGCGAGATGACTGTATGGATTGTATCCCACAAACCCTGGT-3'
Protein context (NP_003070.3, residues 32-52): SHLAYNNYRL[Gly42=]GNPGTNSRVT